The following is an entry in ClinVar:

NM_000334.4(SCN4A):c.3912+3G>A

Genes: GH-LCR (growth hormone locus control region; plus strand), SCN4A (sodium voltage-gated channel alpha subunit 4; minus strand). Cytogenetic location: 17q23.3.
Variant type: single nucleotide variant.
Coding change: c.3912+3G>A on transcript NM_000334.4 (MANE Select); 3 bases into the intron after coding-DNA position 3912, G replaced by A.
Molecular consequence: intron variant.
Genome position (GRCh38, 1-based): chr17:63,944,670, C>T on the plus strand (G>A on the coding strand, the complement: SCN4A is on the minus strand). VCF-style: chr17-63944670-C-T. GRCh37 (hg19) VCF-style: chr17-62022030-C-T.
Identifiers: ClinVar variation 2193671 (VCV002193671.4), dbSNP rs1280884843, ClinGen allele CA400617197.

ClinVar aggregate classification (germline): Uncertain significance (1 of 4 stars; one submission).

Conditions:
Hyperkalemic periodic paralysis. Also called: Familial hyperkalemic periodic paralysis; Gamstorp disease. Identifiers: Orphanet 682, MedGen C0238357, MONDO:0008224, OMIM 170500, HP:0007215.

Submission:

Labcorp Genetics (formerly Invitae), Labcorp
Classification: Uncertain significance for Hyperkalemic periodic paralysis. Last evaluated: 2025-03-31. Review status: criteria provided, single submitter. Criteria: Invitae Variant Classification Sherloc (09022015). Collection method: clinical testing. Allele origin: germline.
Comment: This sequence change falls in intron 21 of the SCN4A gene. It does not directly change the encoded amino acid sequence of the SCN4A protein. It affects a nucleotide within the consensus splice site. This variant is not present in population databases (gnomAD no frequency). This variant has not been reported in the literature in individuals affected with SCN4A-related conditions. ClinVar contains an entry for this variant (Variation ID: 2193671). Variants that disrupt the consensus splice site are a relatively common cause of aberrant splicing (PMID: 17576681, 9536098). Algorithms developed to predict the effect of sequence changes on RNA splicing suggest that this variant is not likely to affect RNA splicing. In summary, the available evidence is currently insufficient to determine the role of this variant in disease. Therefore, it has been classified as a Variant of Uncertain Significance.

Literature cited by the submitters: PubMed 17576681; PubMed 9536098.